The following is an entry in ClinVar:

ClinVar aggregate classification (germline): Pathogenic/Likely pathogenic. Review status: criteria provided, multiple submitters, no conflicts (2 of 4 stars). 8 submissions from 8 submitters: Pathogenic (6); Likely pathogenic (2). Last evaluated 2025-06-30.

Conditions:
Hereditary cancer-predisposing syndrome. Also called: Hereditary Cancer Syndrome; Neoplastic Syndromes, Hereditary; Tumor predisposition; Hereditary neoplastic syndrome. Identifiers: Orphanet 140162, MedGen C0027672, MeSH D009386, MONDO:0015356.
Familial cancer of breast. Also called: BREAST CANCER, FAMILIAL; Hereditary breast cancer; hereditary breast carcinoma. Identifiers: Orphanet 227535, MedGen C0346153, MONDO:0016419, OMIM 114480. Disease mechanism: loss of function.
Ataxia-telangiectasia syndrome (AT). Also called: Ataxia-telangiectasia, complementation group D; AT, COMPLEMENTATION GROUP C; ATAXIA-TELANGIECTASIA, COMPLEMENTATION GROUP A; ATAXIA-TELANGIECTASIA, FRESNO VARIANT; Ataxia-telangiectasia; LOUIS-BAR SYNDROME. Identifiers: Orphanet 100, MedGen C0004135, MONDO:0008840, OMIM 208900.

Submissions (8):

Natera, Inc.
Classification: Likely pathogenic for Ataxia-telangiectasia. Last evaluated: 2025-06-30. Review status: criteria provided, single submitter. Criteria: Natera Variant Classification Schema (03/2026). Collection method: clinical testing. Allele origin: germline.
Comment: The c.1880dupT variant in ATM is a frameshift variant predicted to shift the reading frame beginning at codon 628 and leads to a stop codon 7 codons downstream. This variant is expected to result in nonsense mediated decay, truncation, or a dysfunctional protein product. This variant is rare in the general population with a frequency below the threshold expected for the associated phenotype(s). Given the available evidence, this variant is classified as Likely Pathogenic.

Labcorp Genetics (formerly Invitae), Labcorp
Classification: Pathogenic for Ataxia-telangiectasia syndrome. Last evaluated: 2025-05-19. Review status: criteria provided, single submitter. Criteria: Invitae Variant Classification Sherloc (09022015). Collection method: clinical testing. Allele origin: germline.
Comment: This sequence change creates a premature translational stop signal (p.Gln628Profs*7) in the ATM gene. It is expected to result in an absent or disrupted protein product. Loss-of-function variants in ATM are known to be pathogenic (PMID: 23807571, 25614872). This variant is not present in population databases (gnomAD no frequency). This variant has not been reported in the literature in individuals affected with ATM-related conditions. ClinVar contains an entry for this variant (Variation ID: 185810). For these reasons, this variant has been classified as Pathogenic.

Quest Diagnostics Nichols Institute San Juan Capistrano
Classification: Pathogenic. Last evaluated: 2024-11-03. Review status: criteria provided, single submitter. Criteria: Quest Diagnostics criteria. Collection method: clinical testing. Allele origin: unknown.
Comment: The ATM c.1880dup (p.Gln628Profs*7) variant alters the translational reading frame of the ATM mRNA and causes the premature termination of ATM protein synthesis. This variant has been reported in the published literature in an individual affected with prostate cancer (PMID: 35260348 (2022)). This variant has not been reported in large, multi-ethnic general populations (Genome Aggregation Database). Based on the available information, this variant is classified as pathogenic.

Ambry Genetics
Classification: Pathogenic for Hereditary cancer-predisposing syndrome. Last evaluated: 2024-08-23. Review status: criteria provided, single submitter. Criteria: Ambry Variant Classification Scheme 2023. Collection method: clinical testing. Allele origin: germline.
Comment: The c.1880dupT pathogenic mutation, located in coding exon 11 of the ATM gene, results from a duplication of T at nucleotide position 1880, causing a translational frameshift with a predicted alternate stop codon (p.Q628Pfs*7). This alteration is expected to result in loss of function by premature protein truncation or nonsense-mediated mRNA decay. As such, this alteration is interpreted as a disease-causing mutation.

Myriad Genetics, Inc.
Classification: Pathogenic for Familial cancer of breast. Last evaluated: 2024-01-16. Review status: criteria provided, single submitter. Criteria: Myriad Autosomal Dominant, Autosomal Recessive and X-Linked Classification Criteria (2023). Collection method: clinical testing. Allele origin: unknown.
Comment: This variant is considered pathogenic. This variant creates a frameshift predicted to result in premature protein truncation.

Baylor Genetics
Classification: Likely pathogenic for Familial cancer of breast. Last evaluated: 2022-05-22. Review status: criteria provided, single submitter. Criteria: ACMG Guidelines, 2015. Collection method: clinical testing. Allele origin: unknown.

Genome-Nilou Lab
Classification: Pathogenic for Ataxia-telangiectasia syndrome. Last evaluated: 2021-07-22. Review status: criteria provided, single submitter. Criteria: ACMG Guidelines, 2015. Collection method: clinical testing. Allele origin: germline. Affected: no.

Color Diagnostics, LLC DBA Color Health
Classification: Pathogenic for Hereditary cancer-predisposing syndrome. Last evaluated: 2020-01-15. Review status: criteria provided, single submitter. Criteria: ACMG Guidelines, 2015. Collection method: clinical testing. Allele origin: germline.
Comment: This variant inserts 1 nucleotide in exon 12 of the ATM gene, creating a frameshift and premature translation stop signal. This variant is expected to result in an absent or non-functional protein product. This variant has not been identified in the general population by the Genome Aggregation Database (gnomAD). Loss of ATM function is a known mechanism of disease. Based on the available evidence, this variant is classified as Pathogenic.

Literature cited by the submitters: PubMed 23807571 (cited by Labcorp Genetics (formerly Invitae), Labcorp); PubMed 25614872 (cited by Labcorp Genetics (formerly Invitae), Labcorp); PubMed 35260348 (cited by Quest Diagnostics Nichols Institute San Juan Capistrano).

NM_000051.4(ATM):c.1880dup (p.Gln628fs)

Gene: ATM (ATM serine/threonine kinase; plus strand). Cytogenetic location: 11q22.3.
Variant type: Duplication.
Coding change: c.1880dup on transcript NM_000051.4 (MANE Select); coding-DNA position 1880, one base duplicated (T; older notation c.1880dupT).
Protein change: p.Gln628fs; shifts the reading frame from glutamine 628.
Molecular consequence: frameshift variant.
Genome position (GRCh38, 1-based): chr11:108,252,894, T duplicated; the last of 6 consecutive T bases (chr11:108,252,889-108,252,894); duplicating any one gives the same sequence. VCF-style (leftmost placement, unchanged base first): chr11-108252888-A-AT. GRCh37 (hg19) VCF-style: chr11-108123615-A-AT.
Other names: c.1880dupT (NM_000051.3); c.1880dup, p.Gln628fs (NM_001351834.2); short protein forms Q628fs.
Identifiers: ClinVar variation 185810 (VCV000185810.24), dbSNP rs786202474, ClinGen allele CA193014.